The following is an entry in ClinVar:

NM_022773.4(LMF1):c.217C>A (p.His73Asn)

Gene: LMF1 (lipase maturation factor 1; minus strand). Cytogenetic location: 16p13.3.
Variant type: single nucleotide variant.
Coding change: c.217C>A on transcript NM_022773.4 (MANE Select); coding-DNA position 217, C replaced by A.
Protein change: p.His73Asn; replaces histidine 73 with asparagine.
Molecular consequence: missense variant. On other transcripts: 5 prime UTR variant (4), non-coding transcript variant (1).
Genome position (GRCh38, 1-based): chr16:954,643, G>T on the plus strand (C>A on the coding strand, the complement: LMF1 is on the minus strand). VCF-style: chr16-954643-G-T. GRCh37 (hg19) VCF-style: chr16-1004643-G-T.
Other names: c.-587C>A (NM_001352017.2); c.-338C>A (NM_001352018.2); c.-111C>A (NM_001352019.2); c.217C>A, p.His73Asn (NM_001352020.1); c.-489C>A (NM_001352021.2); short protein forms H73N.
Identifiers: ClinVar variation 2474913 (VCV002474913.3), dbSNP rs751387702, ClinGen allele CA7797718.

ClinVar aggregate classification (germline): Uncertain significance (1 of 4 stars; one submission).

Conditions:
Cardiovascular phenotype. Identifiers: MedGen CN230736.

Allele frequency attached by ClinVar (database versions not stated): gnomAD exomes below 0.00001; ExAC 0.00001; gnomAD 0.00001.
gnomAD v4.1: 3 of 1,600,656 alleles (0.00019%); highest among the groups gnomAD compares: Non-Finnish European, 0.00017%; no homozygotes.

Submission:

Ambry Genetics
Classification: Uncertain significance for Cardiovascular phenotype. Last evaluated: 2025-01-27. Review status: criteria provided, single submitter. Criteria: Ambry Variant Classification Scheme 2023. Collection method: clinical testing. Allele origin: germline.
Comment: The p.H73N variant (also known as c.217C>A), located in coding exon 2 of the LMF1 gene, results from a C to A substitution at nucleotide position 217. The histidine at codon 73 is replaced by asparagine, an amino acid with similar properties. This amino acid position is conserved. In addition, this alteration is predicted to be tolerated by in silico analysis. Based on the available evidence, the clinical significance of this variant remains unclear.